The following is an entry in ClinVar:

ClinVar aggregate classification (germline): Conflicting classifications of pathogenicity. Review status: criteria provided, conflicting classifications (1 of 4 stars). 2 submissions from 2 submitters: Uncertain significance (1); Likely benign (1). Last evaluated 2024-09-22.

Conditions:
Ataxia-telangiectasia syndrome (AT). Also called: AT, COMPLEMENTATION GROUP C; ATAXIA-TELANGIECTASIA, COMPLEMENTATION GROUP A; Ataxia-telangiectasia, complementation group E; Cerebello-oculocutaneous telangiectasia; Immunodeficiency with ataxia telangiectasia; Ataxia-telangiectasia, complementation group D. Identifiers: Orphanet 100, MedGen C0004135, MONDO:0008840, OMIM 208900.

Submissions (2):

Labcorp Genetics (formerly Invitae), Labcorp
Classification: Likely benign for Ataxia-telangiectasia syndrome. Last evaluated: 2024-09-22. Review status: criteria provided, single submitter. Criteria: Invitae Variant Classification Sherloc (09022015). Collection method: clinical testing. Allele origin: germline.

GeneDx
Classification: Uncertain significance. Last evaluated: 2021-08-31. Review status: criteria provided, single submitter. Criteria: GeneDx Variant Classification Process June 2021. Collection method: clinical testing. Allele origin: germline. Affected: yes.
Comment: Not observed at significant frequency in large population cohorts (Lek et al., 2016); Has not been previously published as pathogenic or benign to our knowledge; In-silico analysis, which includes splice predictors and evolutionary conservation, is inconclusive as to whether the variant alters gene splicing. In the absence of RNA/functional studies, the actual effect of this sequence change is unknown.

NM_000051.4(ATM):c.3403-9C>A

Gene: ATM (ATM serine/threonine kinase; plus strand). Cytogenetic location: 11q22.3.
Variant type: single nucleotide variant.
Coding change: c.3403-9C>A on transcript NM_000051.4 (MANE Select); 9 bases into the intron before coding-DNA position 3403, C replaced by A.
Molecular consequence: intron variant.
Genome position (GRCh38, 1-based): chr11:108,280,986, C>A. VCF-style: chr11-108280986-C-A. GRCh37 (hg19) VCF-style: chr11-108151713-C-A.
Other names: c.3403-9C>A (NM_001351834.2).
Identifiers: ClinVar variation 1254691 (VCV001254691.10), dbSNP rs375483605, ClinGen allele CA2499220613.